The following is an entry in ClinVar:

NM_001165963.4(SCN1A):c.2416-181A>C

Gene: SCN1A (sodium voltage-gated channel alpha subunit 1; minus strand). Cytogenetic location: 2q24.3.
Variant type: single nucleotide variant.
Coding change: c.2416-181A>C on transcript NM_001165963.4 (MANE Select); 181 bases into the intron before coding-DNA position 2416, A replaced by C.
Molecular consequence: intron variant.
Genome position (GRCh38, 1-based): chr2:166,039,777, T>G on the plus strand (A>C on the coding strand, the complement: SCN1A is on the minus strand). VCF-style: chr2-166039777-T-G. GRCh37 (hg19) VCF-style: chr2-166896287-T-G.
Other names: c.2383-181A>C (NM_001353949.2, NM_001353950.2, NM_001353951.2 and 2 more transcripts); c.2332-181A>C (NM_001353958.2, NM_001353957.2, NM_001165964.3); c.2416-181A>C (NM_001202435.3, NM_001353948.2); c.2380-181A>C (NM_001353955.2, NM_001353954.2); c.2329-181A>C (NM_001353960.2); c.-27-181A>C (NM_001353961.2).
Identifiers: ClinVar variation 669301 (VCV000669301.2), dbSNP rs6432859, ClinGen allele CA11259680.

ClinVar aggregate classification (germline): Benign. Review status: criteria provided, multiple submitters, no conflicts (2 of 4 stars). 2 submissions from 2 submitters: Benign (2). Last evaluated 2018-06-14.

Allele frequency attached by ClinVar (database versions not stated): gnomAD 0.73910 and 0.73921; TOPMed 0.74056; 1000 Genomes Project 30x 0.78795; 1000 Genomes Project 0.78934.
gnomAD v4.1: 112,132 of 151,970 alleles (74%); highest among the groups gnomAD compares: East Asian, 89%; 41,765 homozygotes.

Submissions (2):

GeneDx
Classification: Benign. Last evaluated: 2018-06-14. Review status: criteria provided, single submitter. Criteria: GeneDx Variant Classification (06012015). Collection method: clinical testing. Allele origin: germline. Affected: yes.
Comment: This variant is considered likely benign or benign based on one or more of the following criteria: it is a conservative change, it occurs at a poorly conserved position in the protein, it is predicted to be benign by multiple in silico algorithms, and/or has population frequency not consistent with disease.

Breakthrough Genomics
Classification: Benign. Review status: criteria provided, single submitter. Criteria: ACMG Guidelines, 2015. Collection method: not provided. Allele origin: germline. Inheritance: Autosomal dominant inheritance. Affected: yes.